The following is an entry in ClinVar:

NM_015570.4(AUTS2):c.2782G>A (p.Ala928Thr)

Gene: AUTS2 (activator of transcription and developmental regulator AUTS2; plus strand). Cytogenetic location: 7q11.22.
Variant type: single nucleotide variant.
Coding change: c.2782G>A on transcript NM_015570.4 (MANE Select); coding-DNA position 2782, G replaced by A.
Protein change: p.Ala928Thr; replaces alanine 928 with threonine.
Molecular consequence: missense variant.
Genome position (GRCh38, 1-based): chr7:70,789,998, G>A. VCF-style: chr7-70789998-G-A. GRCh37 (hg19) VCF-style: chr7-70254984-G-A.
Other names: c.2710G>A, p.Ala904Thr (NM_001127231.3); short protein forms A928T, A904T.
Identifiers: ClinVar variation 2150382 (VCV002150382.4), dbSNP rs1437864529, ClinGen allele CA367664825.

ClinVar aggregate classification (germline): Uncertain significance (1 of 4 stars; one submission).

Allele frequency attached by ClinVar (database versions not stated): TOPMed 0.00001; gnomAD 0.00001; gnomAD exomes 0.00001.
gnomAD v4.1: 22 of 1,601,386 alleles (0.0014%); highest among the groups gnomAD compares: Admixed American, 0.0035%; no homozygotes.

Submission:

Labcorp Genetics (formerly Invitae), Labcorp
Classification: Uncertain significance. Last evaluated: 2022-12-13. Review status: criteria provided, single submitter. Criteria: Invitae Variant Classification Sherloc (09022015). Collection method: clinical testing. Allele origin: germline.
Comment: This sequence change replaces alanine, which is neutral and non-polar, with threonine, which is neutral and polar, at codon 928 of the AUTS2 protein (p.Ala928Thr). The frequency data for this variant in the population databases is considered unreliable, as metrics indicate poor data quality at this position in the gnomAD database. This variant has not been reported in the literature in individuals affected with AUTS2-related conditions. Advanced modeling of protein sequence and biophysical properties (such as structural, functional, and spatial information, amino acid conservation, physicochemical variation, residue mobility, and thermodynamic stability) performed at Invitae indicates that this missense variant is not expected to disrupt AUTS2 protein function. In summary, the available evidence is currently insufficient to determine the role of this variant in disease. Therefore, it has been classified as a Variant of Uncertain Significance.